The following is an entry in ClinVar:

NM_012418.4(FSCN2):c.209C>T (p.Ser70Leu)

Gene: FSCN2 (fascin actin-bundling protein 2, retinal; plus strand). Cytogenetic location: 17q25.3.
Variant type: single nucleotide variant.
Coding change: c.209C>T on transcript NM_012418.4 (MANE Select); coding-DNA position 209, C replaced by T.
Protein change: p.Ser70Leu; replaces serine 70 with leucine.
Molecular consequence: missense variant.
Genome position (GRCh38, 1-based): chr17:81,528,740, C>T. VCF-style: chr17-81528740-C-T. GRCh37 (hg19) VCF-style: chr17-79495766-C-T.
Other names: c.209C>T, p.Ser70Leu (NM_001077182.3); short protein forms S70L.
Identifiers: ClinVar variation 842735 (VCV000842735.10), dbSNP rs782382783, ClinGen allele CA8836610.

ClinVar aggregate classification (germline): Uncertain significance. Review status: criteria provided, multiple submitters, no conflicts (2 of 4 stars). 2 submissions from 2 submitters: Uncertain significance (2). Last evaluated 2025-09-22.

Allele frequency attached by ClinVar (database versions not stated): gnomAD 0.00001; gnomAD exomes 0.00004; ExAC 0.00005.
gnomAD v4.1: 57 of 1,593,282 alleles (0.0036%); highest among the groups gnomAD compares: East Asian, 0.0069%; no homozygotes.

Submissions (2):

Labcorp Genetics (formerly Invitae), Labcorp
Classification: Uncertain significance. Last evaluated: 2025-09-22. Review status: criteria provided, single submitter. Criteria: Invitae Variant Classification Sherloc (09022015). Collection method: clinical testing. Allele origin: germline.
Comment: This sequence change replaces serine, which is neutral and polar, with leucine, which is neutral and non-polar, at codon 70 of the FSCN2 protein (p.Ser70Leu). This variant is present in population databases (rs782382783, gnomAD 0.007%). This variant has not been reported in the literature in individuals affected with FSCN2-related conditions. ClinVar contains an entry for this variant (Variation ID: 842735). An algorithm developed to predict the effect of missense changes on protein structure and function (PolyPhen-2) suggests that this variant is likely to be tolerated. In summary, the available evidence is currently insufficient to determine the role of this variant in disease. Therefore, it has been classified as a Variant of Uncertain Significance.

Ambry Genetics
Classification: Uncertain significance. Last evaluated: 2025-02-19. Review status: criteria provided, single submitter. Criteria: Ambry Variant Classification Scheme 2023. Collection method: clinical testing. Allele origin: germline.